The following is an entry in ClinVar:

ClinVar aggregate classification (germline): Uncertain significance. Review status: criteria provided, multiple submitters, no conflicts (2 of 4 stars). 5 submissions from 5 submitters: Uncertain significance (4). 1 of the submissions does not count toward it. Last evaluated 2025-11-06.

Conditions:
Inborn genetic diseases. Identifiers: MedGen C0950123, MeSH D030342.
Multiple acyl-CoA dehydrogenase deficiency (MADD). Also called: ETHYLMALONIC-ADIPICACIDURIA; GA II; Glutaric Acidemia type 2; Glutaric aciduria, type 2; Glutaric acidemia type II; GA 2. Identifiers: Orphanet 26791, MedGen C0268596, MONDO:0009282, OMIM 231680.

Allele frequency attached by ClinVar (database versions not stated): gnomAD exomes 0.00006 and 0.00021; gnomAD 0.00007; TOPMed 0.00012; 1000 Genomes Project 0.00020; ExAC 0.00020; 1000 Genomes Project 30x 0.00031.
gnomAD v4.1: 92 of 1,611,942 alleles (0.0057%); highest among the groups gnomAD compares: Admixed American, 0.077%; no homozygotes.

Submissions (5):

GeneDx
Classification: Uncertain significance. Last evaluated: 2025-11-06. Review status: criteria provided, single submitter. Criteria: GeneDx Variant Classification Process June 2021. Collection method: clinical testing. Allele origin: germline. Affected: yes.
Comment: In silico analysis supports that this missense variant has a deleterious effect on protein structure/function; Has not been previously published as pathogenic or benign to our knowledge

Ambry Genetics
Classification: Uncertain significance for Inborn genetic diseases. Last evaluated: 2025-03-05. Review status: criteria provided, single submitter. Criteria: Ambry Variant Classification Scheme 2023. Collection method: clinical testing. Allele origin: germline.

Labcorp Genetics (formerly Invitae), Labcorp
Classification: Uncertain significance for Multiple acyl-CoA dehydrogenase deficiency. Last evaluated: 2022-08-22. Review status: criteria provided, single submitter. Criteria: Invitae Variant Classification Sherloc (09022015). Collection method: clinical testing. Allele origin: germline.
Comment: This sequence change replaces arginine, which is basic and polar, with glutamine, which is neutral and polar, at codon 578 of the ETFDH protein (p.Arg578Gln). This variant is present in population databases (rs200290334, gnomAD 0.1%). This variant has not been reported in the literature in individuals affected with ETFDH-related conditions. ClinVar contains an entry for this variant (Variation ID: 529450). Algorithms developed to predict the effect of missense changes on protein structure and function are either unavailable or do not agree on the potential impact of this missense change (SIFT: "Deleterious"; PolyPhen-2: "Possibly Damaging"; Align-GVGD: "Class C0"). In summary, the available evidence is currently insufficient to determine the role of this variant in disease. Therefore, it has been classified as a Variant of Uncertain Significance.

Fulgent Genetics
Classification: Uncertain significance for Multiple acyl-CoA dehydrogenase deficiency. Last evaluated: 2022-01-07. Review status: criteria provided, single submitter. Criteria: ACMG Guidelines, 2015. Collection method: clinical testing. Allele origin: unknown.

Natera, Inc.
Classification: Uncertain significance for Glutaric aciduria type 2. Last evaluated: 2020-09-16. Review status: no assertion criteria provided. Collection method: clinical testing. Allele origin: germline. Not counted in ClinVar's aggregate classification.

NM_004453.4(ETFDH):c.1733G>A (p.Arg578Gln)

Gene: ETFDH (electron transfer flavoprotein dehydrogenase; plus strand). Cytogenetic location: 4q32.1.
Variant type: single nucleotide variant.
Coding change: c.1733G>A on transcript NM_004453.4 (MANE Select); coding-DNA position 1733, G replaced by A.
Protein change: p.Arg578Gln; replaces arginine 578 with glutamine.
Molecular consequence: missense variant.
Genome position (GRCh38, 1-based): chr4:158,708,406, G>A. VCF-style: chr4-158708406-G-A. GRCh37 (hg19) VCF-style: chr4-159629558-G-A.
Other names: c.1592G>A, p.Arg531Gln (NM_001281737.2); c.1550G>A, p.Arg517Gln (NM_001281738.1); short protein forms R578Q, R531Q, R517Q.
Identifiers: ClinVar variation 529450 (VCV000529450.11), dbSNP rs200290334, ClinGen allele CA3122710.